The following is an entry in ClinVar:

ClinVar aggregate classification (germline): Pathogenic. Review status: criteria provided, multiple submitters, no conflicts (2 of 4 stars). 3 submissions from 3 submitters: Pathogenic (3). Last evaluated 2023-12-19.

Conditions:
Familial adenomatous polyposis 3. Also called: NTHL1-Related Adenomatous Polyposis and Colorectal Cancer; NTHL1 Tumor Syndrome; NTHL1-associated polyposis; NTHL1-related attenuated familial adenomatous polyposis. Identifiers: Orphanet 220460, Orphanet 454840, MedGen C4225157, MONDO:0014630, OMIM 616415.
Hereditary cancer-predisposing syndrome. Also called: Neoplastic Syndromes, Hereditary; Tumor predisposition; Hereditary Cancer Syndrome; Hereditary neoplastic syndrome. Identifiers: Orphanet 140162, MedGen C0027672, MeSH D009386, MONDO:0015356.

Submissions (3):

Ambry Genetics
Classification: Pathogenic for Hereditary cancer-predisposing syndrome. Last evaluated: 2023-12-19. Review status: criteria provided, single submitter. Criteria: Ambry Variant Classification Scheme 2023. Collection method: clinical testing. Allele origin: germline.
Comment: The c.108delC pathogenic mutation, located in coding exon 1 of the NTHL1 gene, results from a deletion of one nucleotide at nucleotide position 108, causing a translational frameshift with a predicted alternate stop codon (p.P38Lfs*18). This alteration is expected to result in loss of function by premature protein truncation or nonsense-mediated mRNA decay. As such, this alteration is interpreted as a disease-causing mutation.

Myriad Genetics, Inc.
Classification: Pathogenic for Familial adenomatous polyposis 3. Last evaluated: 2023-08-31. Review status: criteria provided, single submitter. Criteria: Myriad Autosomal Dominant, Autosomal Recessive and X-Linked Classification Criteria (2023). Collection method: clinical testing. Allele origin: unknown.
Comment: This variant is considered pathogenic. This variant creates a frameshift predicted to result in premature protein truncation.

Labcorp Genetics (formerly Invitae), Labcorp
Classification: Pathogenic. Last evaluated: 2020-08-22. Review status: criteria provided, single submitter. Criteria: Invitae Variant Classification Sherloc (09022015). Collection method: clinical testing. Allele origin: germline.
Comment: For these reasons, this variant has been classified as Pathogenic. Loss-of-function variants in NTHL1 are known to be pathogenic (PMID: 25938944, 26559593). This variant has not been reported in the literature in individuals with NTHL1-related conditions. This variant is not present in population databases (ExAC no frequency). This sequence change creates a premature translational stop signal (p.Pro38Leufs*18) in the NTHL1 gene. It is expected to result in an absent or disrupted protein product.

Literature cited by the submitters: PubMed 25938944 (cited by Labcorp Genetics (formerly Invitae), Labcorp); PubMed 26559593 (cited by Labcorp Genetics (formerly Invitae), Labcorp).

NM_002528.7(NTHL1):c.84del (p.Pro30fs)

Gene: NTHL1 (nth like DNA glycosylase 1; minus strand). Cytogenetic location: 16p13.3.
Variant type: Deletion.
Coding change: c.84del on transcript NM_002528.7 (MANE Select); coding-DNA position 84, one base deleted (C; older notation c.84delC).
Protein change: p.Pro30fs; shifts the reading frame from proline 30.
Molecular consequence: frameshift variant. On other transcripts: 5 prime UTR variant (1).
Genome position (GRCh38, 1-based): chr16:2,047,740, G deleted on the plus strand (C on the coding strand, the reverse complement: NTHL1 is on the minus strand); the first of 3 consecutive G bases (chr16:2,047,740-2,047,742); deleting any one gives the same sequence. VCF-style (leftmost placement, unchanged base first): chr16-2047739-CG-C. GRCh37 (hg19) VCF-style: chr16-2097740-CG-C.
Other names: c.84del, p.Pro30fs (NM_001318193.2); c.-95del (NM_001318194.2); c.108delC (NM_002528.5); short protein forms P30fs.
Identifiers: ClinVar variation 1074540 (VCV001074540.8), dbSNP rs2150957715, ClinGen allele CA2499223265.
Genomic context (GRCh38, chr16:2,047,739, plus strand): 5'-TCCCACGCTCCAGCCACGGCGCGGCGCTACCTGCTGCAGCCTCTCTTCTCCGGAGAGGCC[CG>C]GGCTCCTCCCTACACCCCCGCGGCCCAGCCCCGGGTCCCAGGCTCCGGCTCCGGGTCAGC-3'